The following is an entry in ClinVar:

ClinVar aggregate classification (germline): Uncertain significance. Review status: criteria provided, multiple submitters, no conflicts (2 of 4 stars). 2 submissions from 2 submitters: Uncertain significance (2). Last evaluated 2026-08-06.

Conditions:
Vici syndrome (VICIS). Identifiers: Orphanet 1493, MedGen C1855772, MONDO:0009452, OMIM 242840.

Allele frequency attached by ClinVar (database versions not stated): gnomAD exomes below 0.00001; TOPMed 0.00001.
gnomAD v4.1: 2 of 1,614,058 alleles (0.00012%); highest among the groups gnomAD compares: African/African-American, 0.0027%; no homozygotes.

Submissions (2):

OLLIN Analises Genomicas, OLLIN
Classification: Uncertain significance for Vici syndrome. Last evaluated: 2026-08-06. Review status: criteria provided, single submitter. Criteria: ACMG Guidelines 2015 PMID 25741868. Collection method: clinical testing. Allele origin: germline. Inheritance: Autosomal recessive inheritance.
Comment: This missense variant, located in exon 21 (of 44), has been reported in ClinVar (accession VCV001429408.6) and in gnomAD with an allele frequency of 0.00012%. However, to our knowledge, it has not been reported in the scientific literature. In silico analysis predicts that this variant has a deleterious effect. This gene has high tolerance to missense variation. According to the currently available evidence, this variant has been classified as uncertain significance (PM2_P, PP3_M, BP1).

Labcorp Genetics (formerly Invitae), Labcorp
Classification: Uncertain significance for Vici syndrome. Last evaluated: 2022-10-20. Review status: criteria provided, single submitter. Criteria: Invitae Variant Classification Sherloc (09022015). Collection method: clinical testing. Allele origin: germline.
Comment: This sequence change replaces alanine, which is neutral and non-polar, with threonine, which is neutral and polar, at codon 1270 of the EPG5 protein (p.Ala1270Thr). This variant is not present in population databases (gnomAD no frequency). This variant has not been reported in the literature in individuals affected with EPG5-related conditions. ClinVar contains an entry for this variant (Variation ID: 1429408). Advanced modeling of protein sequence and biophysical properties (such as structural, functional, and spatial information, amino acid conservation, physicochemical variation, residue mobility, and thermodynamic stability) performed at Invitae indicates that this missense variant is not expected to disrupt EPG5 protein function. In summary, the available evidence is currently insufficient to determine the role of this variant in disease. Therefore, it has been classified as a Variant of Uncertain Significance.

NM_020964.3(EPG5):c.3808G>A (p.Ala1270Thr)

Gene: EPG5 (ectopic P-granules 5 autophagy tethering factor; minus strand). Cytogenetic location: 18q21.1.
Variant type: single nucleotide variant.
Coding change: c.3808G>A on transcript NM_020964.3 (MANE Select); coding-DNA position 3808, G replaced by A.
Protein change: p.Ala1270Thr; replaces alanine 1270 with threonine.
Molecular consequence: missense variant.
Genome position (GRCh38, 1-based): chr18:45,913,714, C>T on the plus strand (G>A on the coding strand, the complement: EPG5 is on the minus strand). VCF-style: chr18-45913714-C-T. GRCh37 (hg19) VCF-style: chr18-43493679-C-T.
Other names: short protein forms A1270T.
Identifiers: ClinVar variation 1429408 (VCV001429408.7), dbSNP rs1036019427, ClinGen allele CA299762779.